The following is an entry in ClinVar:

ClinVar aggregate classification (germline): Benign/Likely benign. Review status: criteria provided, multiple submitters, no conflicts (2 of 4 stars). 4 submissions from 4 submitters: Benign (1); Likely benign (1). 2 of the submissions do not count toward it. Last evaluated 2025-03-26.

Conditions:
X-linked severe combined immunodeficiency (SCIDX1). Also called: X-Linked Combined Immunodeficiency Diseases; IMMUNODEFICIENCY 4; T-B+ severe combined immunodeficiency due to gamma chain deficiency; SCID, X-LINKED; SEVERE COMBINED IMMUNODEFICIENCY, X-LINKED, T CELL-NEGATIVE, B CELL-POSITIVE, NK CELL-NEGATIVE. Identifiers: Orphanet 276, MedGen C6022468, MONDO:0010315, OMIM 300400. Disease mechanism: loss of function.
IL2RG-related disorder. Also called: IL2RG-related condition.

Allele frequency attached by ClinVar (database versions not stated): gnomAD 0.00002 and 0.00003; TOPMed 0.00002; gnomAD exomes 0.00004 and 0.00007; ExAC 0.00007.
gnomAD v4.1: 49 of 1,206,779 alleles (0.0041%); highest among the groups gnomAD compares: South Asian, 0.053%; 1 homozygote.

Submissions (4):

Labcorp Genetics (formerly Invitae), Labcorp
Classification: Benign for X-linked severe combined immunodeficiency. Last evaluated: 2025-03-26. Review status: criteria provided, single submitter. Criteria: Invitae Variant Classification Sherloc (09022015). Collection method: clinical testing. Allele origin: germline.

Blueprint Genetics
Classification: Likely benign. Last evaluated: 2024-07-17. Review status: criteria provided, single submitter. Criteria: ACMG Guidelines, 2015. Collection method: clinical testing. Allele origin: germline.

Natera, Inc.
Classification: Likely benign for X-linked severe combined immunodeficiency. Last evaluated: 2020-12-10. Review status: no assertion criteria provided. Collection method: clinical testing. Allele origin: germline. Not counted in ClinVar's aggregate classification.

PreventionGenetics, part of Exact Sciences
Classification: Likely benign for IL2RG-related condition. Last evaluated: 2019-02-19. Review status: no assertion criteria provided. Collection method: clinical testing. Allele origin: germline. Not counted in ClinVar's aggregate classification.
Comment: This variant is classified as likely benign based on ACMG/AMP sequence variant interpretation guidelines (Richards et al. 2015 PMID: 25741868, with internal and published modifications).

NM_000206.3(IL2RG):c.455-8A>G

Gene: IL2RG (interleukin 2 receptor subunit gamma; minus strand). Cytogenetic location: Xq13.1.
Variant type: single nucleotide variant.
Coding change: c.455-8A>G on transcript NM_000206.3 (MANE Select); 8 bases into the intron before coding-DNA position 455, A replaced by G.
Molecular consequence: intron variant.
Genome position (GRCh38, 1-based): chrX:71,110,303, T>C on the plus strand (A>G on the coding strand, the complement: IL2RG is on the minus strand). VCF-style: chrX-71110303-T-C. GRCh37 (hg19) VCF-style: chrX-70330153-T-C.
Identifiers: ClinVar variation 717564 (VCV000717564.16), dbSNP rs781649645, ClinGen allele CA10443864.